The following is an entry in ClinVar:

NM_004525.3(LRP2):c.8340C>A (p.Cys2780Ter)

Gene: LRP2 (LDL receptor related protein 2; minus strand). Cytogenetic location: 2q31.1.
Variant type: single nucleotide variant.
Coding change: c.8340C>A on transcript NM_004525.3 (MANE Select); coding-DNA position 8340, C replaced by A.
Protein change: p.Cys2780Ter; replaces cysteine 2780 with a stop codon.
Molecular consequence: nonsense.
Genome position (GRCh38, 1-based): chr2:169,201,740, G>T on the plus strand (C>A on the coding strand, the complement: LRP2 is on the minus strand). VCF-style: chr2-169201740-G-T. GRCh37 (hg19) VCF-style: chr2-170058250-G-T.
Other names: short protein forms C2780*.
Identifiers: ClinVar variation 5014092 (VCV005014092.1).
Genomic context (GRCh38, chr2:169,201,740, plus strand): 5'-GCAGATAAACTCACGAGGTATGCACCTTCTGTTATTGCACATAAACTCCGTGGTGGCATT[G>T]CAGTCCCTGAACAGGCACCCTGCCTCATCACTGCCATCACCACAGTCATTGTAGTAATCA-3'

ClinVar aggregate classification (germline): Pathogenic (1 of 4 stars; one submission).

Conditions:
Donnai-Barrow syndrome. Also called: DBS/FOAR SYNDROME; FACIOOCULOACOUSTICORENAL SYNDROME. Identifiers: Orphanet 2143, MedGen C1857277, MONDO:0009104, OMIM 222448.

Submission:

Myriad Genetics, Inc.
Classification: Pathogenic for Donnai-Barrow syndrome. Last evaluated: 2025-02-12. Review status: criteria provided, single submitter. Criteria: Myriad Autosomal Dominant, Autosomal Recessive and X-Linked Classification Criteria (2023). Collection method: clinical testing. Allele origin: unknown.
Comment: NM_004525.2(LRP2):c.8340C>A(C2780*) is expected to be pathogenic in the context of Donnai-Barrow syndrome. This variant is predicted to lead to an abnormal or absent protein product due to the creation of a premature termination codon in LRP2, a gene where loss-of-function variants are known to be pathogenic. Please note: this variant was assessed in the context of healthy population screening.